The following is an entry in ClinVar:

ClinVar aggregate classification (germline): Uncertain significance (1 of 4 stars; one submission).

Conditions:
Developmental and epileptic encephalopathy, 9 (DEE9). Also called: Early infantile epileptic encephalopathy 9; JUBERG-HELLMAN SYNDROME; EPILEPSY, FEMALE-RESTRICTED, WITH MENTAL RETARDATION; PCDH19-Related X-Linked Female-Limited Epilepsy with Mental Retardation. Identifiers: Orphanet 101039, Orphanet 2076, MedGen C1848137, MONDO:0010246, OMIM 300088. Disease mechanism: loss of function.

gnomAD v4.1: 3 of 1,210,511 alleles (0.00025%); highest among the groups gnomAD compares: Non-Finnish European, 0.00034%; no homozygotes.

Submission:

Labcorp Genetics (formerly Invitae), Labcorp
Classification: Uncertain significance for Developmental and epileptic encephalopathy, 9. Last evaluated: 2024-04-24. Review status: criteria provided, single submitter. Criteria: Invitae Variant Classification Sherloc (09022015). Collection method: clinical testing. Allele origin: germline.
Comment: This sequence change replaces arginine, which is basic and polar, with histidine, which is basic and polar, at codon 787 of the PCDH19 protein (p.Arg787His). This variant is present in population databases (rs371839798, gnomAD 0.008%). This variant has not been reported in the literature in individuals affected with PCDH19-related conditions. ClinVar contains an entry for this variant (Variation ID: 2177323). Advanced modeling of protein sequence and biophysical properties (such as structural, functional, and spatial information, amino acid conservation, physicochemical variation, residue mobility, and thermodynamic stability) performed at Invitae indicates that this missense variant is not expected to disrupt PCDH19 protein function with a negative predictive value of 95%. In summary, the available evidence is currently insufficient to determine the role of this variant in disease. Therefore, it has been classified as a Variant of Uncertain Significance.

NM_001184880.2(PCDH19):c.2360G>A (p.Arg787His)

Genes: PCDH19 (protocadherin 19; minus strand), LOC125467768 (CDK7 strongly-dependent group 2 enhancer GRCh37_chrX:99657381-99658580; plus strand). Cytogenetic location: Xq22.1.
Variant type: single nucleotide variant.
Coding change: c.2360G>A on transcript NM_001184880.2 (MANE Select); coding-DNA position 2360, G replaced by A.
Protein change: p.Arg787His; replaces arginine 787 with histidine.
Molecular consequence: missense variant.
Genome position (GRCh38, 1-based): chrX:100,402,780, C>T on the plus strand (G>A on the coding strand, the complement: PCDH19 is on the minus strand). VCF-style: chrX-100402780-C-T. GRCh37 (hg19) VCF-style: chrX-99657778-C-T.
Other names: c.2219G>A, p.Arg740His (NM_001105243.2, NM_020766.3); short protein forms R740H, R787H.
Identifiers: ClinVar variation 2177323 (VCV002177323.4), dbSNP rs371839798, ClinGen allele CA10468777.